The following is an entry in ClinVar:

ClinVar aggregate classification (germline): Likely benign (1 of 4 stars; one submission).

Conditions:
Breast-ovarian cancer, familial, susceptibility to, 1 (BROVCA1). Also called: OVARIAN CANCER, SUSCEPTIBILITY TO; BRCA1 Hereditary Breast and Ovarian Cancer. Identifiers: Orphanet 145, MedGen C2676676, MONDO:0011450, OMIM 604370. Disease mechanism: loss of function.

gnomAD v4.1: 1 of 1,613,968 alleles (0.000062%); highest among the groups gnomAD compares: Non-Finnish European, 0.000085%; no homozygotes.

Submission:

Cancer Bioinformatics and Tumour Evolution Laboratory, Monash University
Classification: Likely benign for Breast-ovarian cancer, familial, susceptibility to, 1. Last evaluated: 2026-05-01. Review status: criteria provided, single submitter. Criteria: ClinGen BRCA1 and BRCA2 Guidelines, 2024. Collection method: curation. Allele origin: germline. Inheritance: Autosomal dominant inheritance.
Comment: Missense variant outside of a functional domain with no splice impact. BRCA1 and BRCA2 VCEP guidelines recommend application of BP1_Strong (PMID: 39142283)

NM_007294.4(BRCA1):c.1496C>A (p.Thr499Lys)

Gene: BRCA1 (BRCA1 DNA repair associated; minus strand). Cytogenetic location: 17q21.31.
Variant type: single nucleotide variant.
Coding change: c.1496C>A on transcript NM_007294.4 (MANE Select); coding-DNA position 1496, C replaced by A.
Protein change: p.Thr499Lys; replaces threonine 499 with lysine.
Molecular consequence: missense variant. On other transcripts: intron variant (137).
Genome position (GRCh38, 1-based): chr17:43,094,035, G>T on the plus strand (C>A on the coding strand, the complement: BRCA1 is on the minus strand). VCF-style: chr17-43094035-G-T. GRCh37 (hg19) VCF-style: chr17-41246052-G-T.
Other names: c.1283C>A, p.Thr428Lys (NM_001407571.1, NM_001407853.1, NM_001407894.1 and 9 more transcripts); c.1496C>A, p.Thr499Lys (NM_001407581.1, NM_001407582.1, NM_001407583.1 and 30 more transcripts); c.1493C>A, p.Thr498Lys (NM_001407587.1, NM_001407590.1, NM_001407591.1 and 22 more transcripts); c.1232C>A, p.Thr411Lys (NM_001407929.1, NM_001407933.1, NM_001407935.1 and 9 more transcripts); c.1229C>A, p.Thr410Lys (NM_001407930.1, NM_001407931.1, NM_001407932.1 and 2 more transcripts); c.1373C>A, p.Thr458Lys (NM_001407937.1, NM_001407938.1, NM_001407939.1 and 19 more transcripts); c.1418C>A, p.Thr473Lys (NM_001407657.1, NM_001407658.1, NM_001407663.1 and 4 more transcripts); c.1415C>A, p.Thr472Lys (NM_001407659.1, NM_001407660.1, NM_001407661.1 and 1 more transcripts); and 40 more; short protein forms T203K, T331K, T371K, T372K, T387K, T388K, T410K, T411K.
Identifiers: ClinVar variation 4856586 (VCV004856586.1).